The following is an entry in ClinVar:

NM_194248.3(OTOF):c.3347G>A (p.Arg1116Gln)

Gene: OTOF (otoferlin; minus strand). Cytogenetic location: 2p23.3.
Variant type: single nucleotide variant.
Coding change: c.3347G>A on transcript NM_194248.3 (MANE Select); coding-DNA position 3347, G replaced by A.
Protein change: p.Arg1116Gln; replaces arginine 1116 with glutamine.
Molecular consequence: missense variant.
Genome position (GRCh38, 1-based): chr2:26,474,052, C>T on the plus strand (G>A on the coding strand, the complement: OTOF is on the minus strand). VCF-style: chr2-26474052-C-T. GRCh37 (hg19) VCF-style: chr2-26696920-C-T.
Other names: c.3347G>A (NM_194248.2); c.3347G>A, p.Arg1116Gln (NM_001287489.2); c.1106G>A, p.Arg369Gln (NM_004802.4, NM_194323.3); c.1277G>A, p.Arg426Gln (NM_194322.3); short protein forms R1116Q, R369Q, R426Q.
Identifiers: ClinVar variation 2498808 (VCV002498808.31), dbSNP rs1368394139, ClinGen allele CA346107690.

ClinVar aggregate classification (germline): Uncertain significance. Review status: criteria provided, multiple submitters, no conflicts (2 of 4 stars). 2 submissions from 2 submitters: Uncertain significance (2). Last evaluated 2025-08-14.

Conditions:
Inborn genetic diseases. Identifiers: MedGen C0950123, MeSH D030342.

Allele frequency attached by ClinVar (database versions not stated): gnomAD exomes below 0.00001; gnomAD 0.00001; TOPMed 0.00002.
gnomAD v4.1: 8 of 1,612,774 alleles (0.0005%); highest among the groups gnomAD compares: African/African-American, 0.0053%; no homozygotes.

Submissions (2):

Ambry Genetics
Classification: Uncertain significance for Inborn genetic diseases. Last evaluated: 2025-08-14. Review status: criteria provided, single submitter. Criteria: Ambry Variant Classification Scheme 2023. Collection method: clinical testing. Allele origin: germline.

CeGaT Center for Human Genetics Tuebingen
Classification: Uncertain significance. Last evaluated: 2023-02-01. Review status: criteria provided, single submitter. Criteria: CeGaT Center For Human Genetics Tuebingen Variant Classification Criteria Version 2. Collection method: clinical testing. Allele origin: germline. Affected: yes. Observed: 1 variant allele.
Comment: OTOF: PM2, BP4